The following is an entry in ClinVar:

ClinVar aggregate classification (germline): Conflicting classifications of pathogenicity. Review status: criteria provided, conflicting classifications (1 of 4 stars). 5 submissions from 5 submitters: Uncertain significance (4); Likely benign (1). Last evaluated 2019-05-15.

Conditions:
Dilated cardiomyopathy 1G (CMD1G). Identifiers: Orphanet 154, MedGen C1858763, MONDO:0011400, OMIM 604145.
Autosomal recessive limb-girdle muscular dystrophy type 2J (LGMDR10). Also called: Limb-girdle muscular dystrophy, type 2J; MUSCULAR DYSTROPHY, LIMB-GIRDLE, AUTOSOMAL RECESSIVE 10. Identifiers: Orphanet 140922, MedGen C1837342, MONDO:0012127, OMIM 608807.
Cardiovascular phenotype. Identifiers: MedGen CN230736.

Allele frequency attached by ClinVar (database versions not stated): gnomAD exomes 0.00002; TOPMed 0.00002; ExAC 0.00002; gnomAD 0.00003.
gnomAD v4.1: 39 of 1,613,156 alleles (0.0024%); highest among the groups gnomAD compares: African/African-American, 0.004%; no homozygotes.

Submissions (5):

Revvity Omics, Revvity
Classification: Uncertain significance. Last evaluated: 2019-05-15. Review status: criteria provided, single submitter. Criteria: ACMG Guidelines, 2015. Collection method: clinical testing. Allele origin: germline.

GeneDx
Classification: Likely benign. Last evaluated: 2018-05-15. Review status: criteria provided, single submitter. Criteria: GeneDx Variant Classification (06012015). Collection method: clinical testing. Allele origin: germline. Affected: yes.
Comment: This variant is considered likely benign or benign based on one or more of the following criteria: it is a conservative change, it occurs at a poorly conserved position in the protein, it is predicted to be benign by multiple in silico algorithms, and/or has population frequency not consistent with disease.

Eurofins Ntd Llc (ga)
Classification: Uncertain significance. Last evaluated: 2018-03-13. Review status: criteria provided, single submitter. Criteria: EGL ClinVar v180209 classification definitions. Collection method: clinical testing. Allele origin: germline. Observed: 1 variant allele, 1 heterozygote.

Labcorp Genetics (formerly Invitae), Labcorp
Classification: Uncertain significance for Dilated cardiomyopathy 1G; Autosomal recessive limb-girdle muscular dystrophy type 2J. Last evaluated: 2017-10-13. Review status: criteria provided, single submitter. Criteria: Invitae Variant Classification Sherloc (09022015). Collection method: clinical testing. Allele origin: germline.

Ambry Genetics
Classification: Uncertain significance for Cardiovascular phenotype. Last evaluated: 2013-11-13. Review status: criteria provided, single submitter. Criteria: Ambry Autosomal Dominant and X-Linked criteria (10/2015). Collection method: clinical testing. Allele origin: germline. Observed: 1 variant allele.
Comment: The p.R17435H variant (also known as c.52304G>A) is located in coding exon 251 of the TTN gene. This alteration results from a G to A substitution at nucleotide position 52304. The arginine at codon 17435 is replaced by histidine, an amino acid with some highly similar properties.Ã¢â‚¬â€¹This variant was not reported in population-based cohorts in the following databases: Database of Single Nucleotide Polymorphisms (dbSNP), NHLBI Exome Sequencing Project (ESP) and 1000 Genomes Project.This amino acid position is highly conserved on sequence alignment.This variant is predicted to be probably damaging by PolyPhen in silico analyses. Since supporting evidence is limited at this time, the clinical significance of p.R17435H remains unclear.

NM_001267550.2(TTN):c.60008G>A (p.Arg20003His)

Genes: TTN (titin; minus strand), TTN-AS1 (TTN antisense RNA 1; plus strand), LOC126806424 (CDK7 strongly-dependent group 2 enhancer GRCh37_chr2:179456337-179457536; plus strand). Cytogenetic location: 2q31.2.
Variant type: single nucleotide variant.
Coding change: c.60008G>A on transcript NM_001267550.2 (MANE Select); coding-DNA position 60008, G replaced by A.
Protein change: p.Arg20003His; replaces arginine 20003 with histidine.
Molecular consequence: missense variant.
Genome position (GRCh38, 1-based): chr2:178,591,811, C>T on the plus strand (G>A on the coding strand, the complement: TTN is on the minus strand). VCF-style: chr2-178591811-C-T. GRCh37 (hg19) VCF-style: chr2-179456538-C-T.
Other names: c.55085G>A, p.Arg18362His (NM_001256850.1); c.32813G>A, p.Arg10938His (NM_003319.4); c.52304G>A, p.Arg17435His (NM_133378.4); c.33188G>A, p.Arg11063His (NM_133432.3); c.33389G>A, p.Arg11130His (NM_133437.4); short protein forms R17435H, R20003H, R11063H, R11130H, R18362H, R10938H.
Identifiers: ClinVar variation 263757 (VCV000263757.14), dbSNP rs756091180, ClinGen allele CA1992564.